The following is an entry in ClinVar:

ClinVar aggregate classification (germline): Uncertain significance (1 of 4 stars; one submission).

Conditions:
Frontotemporal dementia and/or amyotrophic lateral sclerosis 1 (FTDALS1). Also called: C9orf72 Frontotemporal Dementia and/or Amyotrophic Lateral Sclerosis; Frontotemporal dementia with motor neuron disease 1. Identifiers: Orphanet 275872, MedGen C5779877, MONDO:0007105, OMIM 105550.
Paget disease of bone 2, early-onset (PDB2). Also called: Paget disease of bone 2. Identifiers: MedGen C4085251, MONDO:0011183, OMIM 602080.

Submission:

Labcorp Genetics (formerly Invitae), Labcorp
Classification: Uncertain significance for Paget disease of bone 2, early-onset; Frontotemporal dementia and/or amyotrophic lateral sclerosis 1. Last evaluated: 2022-12-22. Review status: criteria provided, single submitter. Criteria: Invitae Variant Classification Sherloc (09022015). Collection method: clinical testing. Allele origin: germline.
Comment: In summary, the available evidence is currently insufficient to determine the role of this variant in disease. Therefore, it has been classified as a Variant of Uncertain Significance. This sequence change replaces glutamine, which is neutral and polar, with histidine, which is basic and polar, at codon 400 of the SQSTM1 protein (p.Gln400His). This variant is not present in population databases (gnomAD no frequency). This variant has not been reported in the literature in individuals affected with SQSTM1-related conditions. Advanced modeling of protein sequence and biophysical properties (such as structural, functional, and spatial information, amino acid conservation, physicochemical variation, residue mobility, and thermodynamic stability) performed at Invitae indicates that this missense variant is not expected to disrupt SQSTM1 protein function. Algorithms developed to predict the effect of sequence changes on RNA splicing suggest that this variant may disrupt the consensus splice site.

NM_003900.5(SQSTM1):c.1200G>C (p.Gln400His)

Gene: SQSTM1 (sequestosome 1; plus strand). Cytogenetic location: 5q35.3.
Variant type: single nucleotide variant.
Coding change: c.1200G>C on transcript NM_003900.5 (MANE Select); coding-DNA position 1200, G replaced by C.
Protein change: p.Gln400His; replaces glutamine 400 with histidine.
Molecular consequence: missense variant.
Genome position (GRCh38, 1-based): chr5:179,836,470, G>C. VCF-style: chr5-179836470-G-C. GRCh37 (hg19) VCF-style: chr5-179263470-G-C.
Other names: c.948G>C, p.Gln316His (NM_001142298.2, NM_001142299.2); short protein forms Q316H, Q400H.
Identifiers: ClinVar variation 2942594 (VCV002942594.3), dbSNP rs2480264910, ClinGen allele CA362453691.